The following is an entry in ClinVar:

ClinVar aggregate classification (germline): Conflicting classifications of pathogenicity. Review status: criteria provided, conflicting classifications (1 of 4 stars). 2 submissions from 2 submitters: Uncertain significance (1); Likely benign (1). Last evaluated 2023-05-15.

Conditions:
Inborn genetic diseases. Identifiers: MedGen C0950123, MeSH D030342.

Allele frequency attached by ClinVar (database versions not stated): ExAC 0.00001; gnomAD exomes 0.00001.
gnomAD v4.1: 9 of 1,614,016 alleles (0.00056%); highest among the groups gnomAD compares: South Asian, 0.0011%; no homozygotes.

Submissions (2):

GeneDx
Classification: Uncertain significance. Last evaluated: 2023-05-15. Review status: criteria provided, single submitter. Criteria: GeneDx Variant Classification Process June 2021. Collection method: clinical testing. Allele origin: germline. Affected: yes.
Comment: Not observed at significant frequency in large population cohorts (gnomAD); In silico analysis supports that this missense variant does not alter protein structure/function; Has not been previously published as pathogenic or benign to our knowledge

Ambry Genetics
Classification: Likely benign for Inborn genetic diseases. Last evaluated: 2022-12-01. Review status: criteria provided, single submitter. Criteria: Ambry Variant Classification Scheme 2023. Collection method: clinical testing. Allele origin: germline.

NM_015378.4(VPS13D):c.5893A>G (p.Ile1965Val)

Gene: VPS13D (vacuolar protein sorting 13 homolog D; plus strand). Cytogenetic location: 1p36.22.
Variant type: single nucleotide variant.
Coding change: c.5893A>G on transcript NM_015378.4 (MANE Select); coding-DNA position 5893, A replaced by G.
Protein change: p.Ile1965Val; replaces isoleucine 1965 with valine.
Molecular consequence: missense variant.
Genome position (GRCh38, 1-based): chr1:12,293,564, A>G. VCF-style: chr1-12293564-A-G. GRCh37 (hg19) VCF-style: chr1-12353621-A-G.
Other names: c.5893A>G, p.Ile1965Val (NM_018156.4); c.5893A>G (NM_015378.3); short protein forms I1965V.
Identifiers: ClinVar variation 2330370 (VCV002330370.3), dbSNP rs762491658, ClinGen allele CA602460.